The following is an entry in ClinVar:

NM_001875.5(CPS1):c.3486_3496del (p.Pro1163fs)

Gene: CPS1 (carbamoyl-phosphate synthase 1; plus strand). Cytogenetic location: 2q34.
Variant type: Deletion.
Coding change: c.3486_3496del on transcript NM_001875.5 (MANE Select); coding-DNA positions 3486 to 3496, 11 bases deleted (CCCAGTGGTGC).
Protein change: p.Pro1163fs; shifts the reading frame from proline 1163.
Molecular consequence: frameshift variant. On other transcripts: non-coding transcript variant (2).
Genome position (GRCh38, 1-based): chr2:210,654,030-210,654,040, CCCAGTGGTGC deleted. VCF-style (leftmost placement, unchanged base first): chr2-210654029-ACCCAGTGGTGC-A. GRCh37 (hg19) VCF-style: chr2-211518753-ACCCAGTGGTGC-A.
Other names: c.3486_3496del, p.Pro1163fs (NM_001122633.3, NM_001369257.1); c.3519_3529del, p.Pro1174fs (NM_001369256.1); short protein forms P1163fs, P1174fs.
Identifiers: ClinVar variation 838030 (VCV000838030.7), dbSNP rs1700635072, ClinGen allele CA916081386.

ClinVar aggregate classification (germline): Pathogenic (1 of 4 stars; one submission).

Conditions:
Congenital hyperammonemia, type I. Also called: CPS I DEFICIENCY; Carbamoyl-phosphate synthase I deficiency; Carbamoyl phosphate synthetase 1 deficiency; Hyperammonemia due to carbamoyl phosphate synthetase 1 deficiency; CPS 1 deficiency; Carbamyl phosphate synthetase (CPS) deficiency. Identifiers: Orphanet 147, MedGen C4082171, MONDO:0009376, OMIM 237300.

Submission:

Labcorp Genetics (formerly Invitae), Labcorp
Classification: Pathogenic for Congenital hyperammonemia, type I. Last evaluated: 2019-11-18. Review status: criteria provided, single submitter. Criteria: Invitae Variant Classification Sherloc (09022015). Collection method: clinical testing. Allele origin: germline.
Comment: For these reasons, this variant has been classified as Pathogenic. Loss-of-function variants in CPS1 are known to be pathogenic (PMID: 21120950). This variant has not been reported in the literature in individuals with CPS1-related conditions. This variant is not present in population databases (ExAC no frequency). This sequence change creates a premature translational stop signal (p.Pro1163Aspfs*5) in the CPS1 gene. It is expected to result in an absent or disrupted protein product.

Literature cited by the submitters: PubMed 21120950.